The following is an entry in ClinVar:

NM_133433.4(NIPBL):c.1709T>C (p.Ile570Thr)

Gene: NIPBL (NIPBL cohesin loading factor; plus strand). Cytogenetic location: 5p13.2.
Variant type: single nucleotide variant.
Coding change: c.1709T>C on transcript NM_133433.4 (MANE Select); coding-DNA position 1709, T replaced by C.
Protein change: p.Ile570Thr; replaces isoleucine 570 with threonine.
Molecular consequence: missense variant.
Genome position (GRCh38, 1-based): chr5:36,984,889, T>C. VCF-style: chr5-36984889-T-C. GRCh37 (hg19) VCF-style: chr5-36984991-T-C.
Other names: c.1709T>C, p.Ile570Thr (NM_015384.5); short protein forms I570T.
Identifiers: ClinVar variation 2790054 (VCV002790054.3), dbSNP rs2477919803, ClinGen allele CA359494193.

ClinVar aggregate classification (germline): Uncertain significance (1 of 4 stars; one submission).

Conditions:
Cornelia de Lange syndrome 1 (CDLS1). Also called: TYPUS DEGENERATIVUS AMSTELODAMENSIS; Brachmann de Lange syndrome; NIPBL-Related Cornelia de Lange Syndrome. Identifiers: Orphanet 199, MedGen C4551851, MONDO:0007387, OMIM 122470.

gnomAD v4.1: 3 of 1,613,756 alleles (0.00019%); highest among the groups gnomAD compares: South Asian, 0.0011%; no homozygotes.

Submission:

Labcorp Genetics (formerly Invitae), Labcorp
Classification: Uncertain significance for Cornelia de Lange syndrome 1. Last evaluated: 2023-11-15. Review status: criteria provided, single submitter. Criteria: Invitae Variant Classification Sherloc (09022015). Collection method: clinical testing. Allele origin: germline.
Comment: This sequence change replaces isoleucine, which is neutral and non-polar, with threonine, which is neutral and polar, at codon 570 of the NIPBL protein (p.Ile570Thr). This variant is not present in population databases (gnomAD no frequency). This variant has not been reported in the literature in individuals affected with NIPBL-related conditions. Advanced modeling of protein sequence and biophysical properties (such as structural, functional, and spatial information, amino acid conservation, physicochemical variation, residue mobility, and thermodynamic stability) performed at Invitae indicates that this missense variant is not expected to disrupt NIPBL protein function with a negative predictive value of 95%. In summary, the available evidence is currently insufficient to determine the role of this variant in disease. Therefore, it has been classified as a Variant of Uncertain Significance.